The following is an entry in ClinVar:

NM_000138.5(FBN1):c.2153C>T (p.Thr718Met)

Gene: FBN1 (fibrillin 1; minus strand). Cytogenetic location: 15q21.1.
Variant type: single nucleotide variant.
Coding change: c.2153C>T on transcript NM_000138.5 (MANE Select); coding-DNA position 2153, C replaced by T.
Protein change: p.Thr718Met; replaces threonine 718 with methionine.
Molecular consequence: missense variant.
Genome position (GRCh38, 1-based): chr15:48,498,999, G>A on the plus strand (C>T on the coding strand, the complement: FBN1 is on the minus strand). VCF-style: chr15-48498999-G-A. GRCh37 (hg19) VCF-style: chr15-48791196-G-A.
Other names: p.T718M:ACG>ATG; short protein forms T718M.
Identifiers: ClinVar variation 199990 (VCV000199990.17), dbSNP rs777526851, ClinGen allele CA012824.

ClinVar aggregate classification (germline): Uncertain significance. Review status: criteria provided, multiple submitters, no conflicts (2 of 4 stars). 4 submissions from 4 submitters: Uncertain significance (4). Last evaluated 2026-06-29.

Conditions:
Marfan syndrome (MFS). Also called: MARFAN SYNDROME, TYPE I; Marfan's syndrome; Marfan syndrome, classic; Marfan syndrome type 1; FBN1-Related Marfan Syndrome. Identifiers: Orphanet 284963, Orphanet 558, MedGen C0024796, MONDO:0007947, OMIM 154700.
Familial thoracic aortic aneurysm and aortic dissection (TAAD). Also called: Thoracic aortic aneurysms and dissections. Identifiers: Orphanet 91387, MedGen C4707243, MONDO:0019625.

Allele frequency attached by ClinVar (database versions not stated): gnomAD exomes below 0.00001; ExAC 0.00001; gnomAD 0.00001; TOPMed 0.00001.
gnomAD v4.1: 9 of 1,614,046 alleles (0.00056%); highest among the groups gnomAD compares: South Asian, 0.0011%; no homozygotes.

Submissions (4):

Ambry Genetics
Classification: Uncertain significance for Familial thoracic aortic aneurysm and aortic dissection. Last evaluated: 2026-06-29. Review status: criteria provided, single submitter. Criteria: Ambry Variant Classification Scheme 2023. Collection method: clinical testing. Allele origin: germline.
Comment: The p.T718M variant (also known as c.2153C>T), located in coding exon 17 of the FBN1 gene, results from a C to T substitution at nucleotide position 2153. The threonine at codon 718 is replaced by methionine, an amino acid with similar properties. This amino acid position is highly conserved in available vertebrate species. In addition, the in silico prediction for this alteration is inconclusive. Based on the available evidence, the clinical significance of this variant remains unclear.

Labcorp Genetics (formerly Invitae), Labcorp
Classification: Uncertain significance for Marfan syndrome; Familial thoracic aortic aneurysm and aortic dissection. Last evaluated: 2025-06-11. Review status: criteria provided, single submitter. Criteria: Invitae Variant Classification Sherloc (09022015). Collection method: clinical testing. Allele origin: germline.
Comment: This sequence change replaces threonine, which is neutral and polar, with methionine, which is neutral and non-polar, at codon 718 of the FBN1 protein (p.Thr718Met). This variant is present in population databases (rs777526851, gnomAD 0.002%). This variant has not been reported in the literature in individuals affected with FBN1-related conditions. ClinVar contains an entry for this variant (Variation ID: 199990). Invitae Evidence Modeling of protein sequence and biophysical properties (such as structural, functional, and spatial information, amino acid conservation, physicochemical variation, residue mobility, and thermodynamic stability) indicates that this missense variant is expected to disrupt FBN1 protein function with a positive predictive value of 95%. Algorithms developed to predict the effect of sequence changes on RNA splicing suggest that this variant may disrupt the consensus splice site. In summary, the available evidence is currently insufficient to determine the role of this variant in disease. Therefore, it has been classified as a Variant of Uncertain Significance.

GeneDx
Classification: Uncertain significance. Last evaluated: 2022-10-13. Review status: criteria provided, single submitter. Criteria: GeneDx Variant Classification Process June 2021. Collection method: clinical testing. Allele origin: germline. Affected: yes.
Comment: Not observed at significant frequency in large population cohorts (gnomAD); In silico analysis supports that this missense variant has a deleterious effect on protein structure/function; Has not been previously published as pathogenic or benign to our knowledge; Does not affect a cysteine residue within a calcium-binding EGF-like domain or a TGF-binding protein domain of the FBN1 gene; cysteine substitutions in the calcium-binding EGF-like domains represent the majority of pathogenic missense changes associated with FBN1-related disorders (Collod-Beroud et al., 2003); This variant is associated with the following publications: (PMID: 12938084)

Color Diagnostics, LLC DBA Color Health
Classification: Uncertain significance for Familial thoracic aortic aneurysm and aortic dissection. Last evaluated: 2020-10-14. Review status: criteria provided, single submitter. Criteria: ACMG Guidelines, 2015. Collection method: clinical testing. Allele origin: germline.
Comment: This missense variant replaces threonine with methionine at codon 718 of the FBN1 protein. Computational prediction is inconclusive regarding the impact of this variant on protein structure and function (internally defined REVEL score threshold 0.5 < inconclusive < 0.7, PMID: 27666373). To our knowledge, functional studies have not been reported for this variant. This variant has not been reported in individuals affected with cardiovascular disorders in the literature. This variant has been identified in 2/282900 chromosomes in the general population by the Genome Aggregation Database (gnomAD). The available evidence is insufficient to determine the role of this variant in disease conclusively. Therefore, this variant is classified as a Variant of Uncertain Significance.